The following is an entry in ClinVar:

NM_004698.4(PRPF3):c.959C>G (p.Ser320Cys)

Gene: PRPF3 (pre-mRNA processing factor 3; plus strand). Cytogenetic location: 1q21.2.
Variant type: single nucleotide variant.
Coding change: c.959C>G on transcript NM_004698.4 (MANE Select); coding-DNA position 959, C replaced by G.
Protein change: p.Ser320Cys; replaces serine 320 with cysteine.
Molecular consequence: missense variant. On other transcripts: non-coding transcript variant (4).
Genome position (GRCh38, 1-based): chr1:150,335,165, C>G. VCF-style: chr1-150335165-C-G. GRCh37 (hg19) VCF-style: chr1-150307636-C-G.
Other names: c.554C>G, p.Ser185Cys (NM_001350529.1); short protein forms S185C, S320C.
Identifiers: ClinVar variation 1345048 (VCV001345048.6), dbSNP rs1553866975, ClinGen allele CA342294658.
Genomic context (GRCh38, chr1:150,335,165, plus strand): 5'-AGCCATCAGAAGACATGGAATCCAATACCTTTTTTGACCCCCGAGTCTCCATTGCCCCTT[C>G]CCAGCGCCAGAGACGCACTTTTAAATTCCATGACAAGGGCAAATTTGAGAAGATTGCTCA-3'
Protein context (NP_004689.1, residues 310-330): FFDPRVSIAP[Ser320Cys]QRQRRTFKFH

ClinVar aggregate classification (germline): Uncertain significance (1 of 4 stars; one submission).

Submission:

Labcorp Genetics (formerly Invitae), Labcorp
Classification: Uncertain significance. Last evaluated: 2022-02-05. Review status: criteria provided, single submitter. Criteria: Invitae Variant Classification Sherloc (09022015). Collection method: clinical testing. Allele origin: germline.
Comment: In summary, the available evidence is currently insufficient to determine the role of this variant in disease. Therefore, it has been classified as a Variant of Uncertain Significance. Algorithms developed to predict the effect of missense changes on protein structure and function are either unavailable or do not agree on the potential impact of this missense change (SIFT: "Tolerated"; PolyPhen-2: "Possibly Damaging"; Align-GVGD: "Class C15"). This variant has not been reported in the literature in individuals affected with PRPF3-related conditions. This variant is not present in population databases (gnomAD no frequency). This sequence change replaces serine, which is neutral and polar, with cysteine, which is neutral and slightly polar, at codon 320 of the PRPF3 protein (p.Ser320Cys).